The following is an entry in ClinVar:

ClinVar aggregate classification (germline): Uncertain significance (1 of 4 stars; one submission).

Conditions:
Schuurs-Hoeijmakers syndrome. Also called: PACS1-Related Neurodevelopmental Disorder. Identifiers: Orphanet 329224, MedGen C3554343, MONDO:0014006, OMIM 615009.

gnomAD v4.1: 1 of 1,612,814 alleles (0.000062%); highest among the groups gnomAD compares: Non-Finnish European, 0.000085%; no homozygotes.

Submission:

Labcorp Genetics (formerly Invitae), Labcorp
Classification: Uncertain significance for Schuurs-Hoeijmakers syndrome. Last evaluated: 2023-12-16. Review status: criteria provided, single submitter. Criteria: Invitae Variant Classification Sherloc (09022015). Collection method: clinical testing. Allele origin: germline.
Comment: This sequence change replaces valine, which is neutral and non-polar, with leucine, which is neutral and non-polar, at codon 591 of the PACS1 protein (p.Val591Leu). This variant is not present in population databases (gnomAD no frequency). This variant has not been reported in the literature in individuals affected with PACS1-related conditions. Advanced modeling of protein sequence and biophysical properties (such as structural, functional, and spatial information, amino acid conservation, physicochemical variation, residue mobility, and thermodynamic stability) performed at Invitae indicates that this missense variant is not expected to disrupt PACS1 protein function with a negative predictive value of 80%. In summary, the available evidence is currently insufficient to determine the role of this variant in disease. Therefore, it has been classified as a Variant of Uncertain Significance.

NM_018026.4(PACS1):c.1771G>C (p.Val591Leu)

Gene: PACS1 (phosphofurin acidic cluster sorting protein 1; plus strand). Cytogenetic location: 11q13.2.
Variant type: single nucleotide variant.
Coding change: c.1771G>C on transcript NM_018026.4 (MANE Select); coding-DNA position 1771, G replaced by C.
Protein change: p.Val591Leu; replaces valine 591 with leucine.
Molecular consequence: missense variant.
Genome position (GRCh38, 1-based): chr11:66,232,999, G>C. VCF-style: chr11-66232999-G-C. GRCh37 (hg19) VCF-style: chr11-66000470-G-C.
Other names: short protein forms V591L.
Identifiers: ClinVar variation 2789651 (VCV002789651.3), dbSNP rs556285535, ClinGen allele CA381370420.